The following is an entry in ClinVar:

ClinVar aggregate classification (germline): Likely pathogenic (1 of 4 stars; one submission).

Submission:

GeneDx
Classification: Likely pathogenic. Last evaluated: 2025-02-20. Review status: criteria provided, single submitter. Criteria: GeneDx Variant Classification Process June 2021. Collection method: clinical testing. Allele origin: germline. Affected: yes.
Comment: Not observed at significant frequency in large population cohorts (gnomAD); This variant is associated with the following publications: (PMID: 39706195)

NM_182699.4(DDX53):c.567_568insTGCAGGT (p.Glu190delinsCysArgTer)

Genes: DDX53 (DEAD-box helicase 53; plus strand), PTCHD1-AS (PTCHD1 and PHEX antisense RNA; minus strand). Cytogenetic location: Xp22.11.
Variant type: Insertion.
Coding change: c.567_568insTGCAGGT on transcript NM_182699.4 (MANE Select); coding-DNA positions 567 to 568, TGCAGGT inserted.
Protein change: p.Glu190delinsCysArgTer.
Molecular consequence: nonsense.
Genome position: GRCh38 VCF-style: chrX-23000623-C-CTTGCAGG. GRCh37 (hg19) VCF-style: chrX-23018740-C-CTTGCAGG.
Identifiers: ClinVar variation 4278579 (VCV004278579.1).